The following is an entry in ClinVar:

ClinVar aggregate classification (germline): Likely pathogenic. Review status: criteria provided, multiple submitters, no conflicts (2 of 4 stars). 2 submissions from 2 submitters: Likely pathogenic (2). Last evaluated 2024-12-21.

Conditions:
Autosomal dominant Alport syndrome (ATS3A). Also called: Alport syndrome dominant type; Renal failure and sensorineural hearing loss; ALPORT SYNDROME 3A, AUTOSOMAL DOMINANT. Identifiers: Orphanet 63, Orphanet 88918, MedGen C5882663, MONDO:0007086, OMIM 104200.
Hematuria, benign familial, 2 (BFH2). Identifiers: MedGen C5830421, MONDO:0958186, OMIM 620320.
Alport syndrome 3b, autosomal recessive. Identifiers: MedGen C5882699, MONDO:0957811, OMIM 620536.
Alport syndrome. Also called: Hemorrhagic familial nephritis; Hemorrhagic hereditary nephritis; Congenital hereditary hematuria. Identifiers: Orphanet 63, MedGen C1567741, MONDO:0018965.

gnomAD v4.1: 5 of 1,613,608 alleles (0.00031%); highest among the groups gnomAD compares: African/African-American, 0.0067%; no homozygotes.

Submissions (2):

Natera, Inc.
Classification: Likely pathogenic for Alport syndrome. Last evaluated: 2024-12-21. Review status: criteria provided, single submitter. Criteria: Natera Variant Classification Schema (03/2026). Collection method: clinical testing. Allele origin: germline.
Comment: The c.2954G>A variant in COL4A3 is a missense variant predicted to cause substitution of glycine to glutamic acid at amino acid 985. This variant is rare in the general population with a frequency below the threshold expected for the associated phenotype(s). This variant is located in a functionally critical region of the protein. A different variant at the same position has been determined to be Pathogenic or Likely Pathogenic. Computational prediction algorithms indicate this variant is likely to affect gene or protein function. Given the available evidence, this variant is classified as Likely Pathogenic.

Fulgent Genetics
Classification: Likely pathogenic for Autosomal dominant Alport syndrome; Hematuria, benign familial, 2; Alport syndrome 3b, autosomal recessive. Last evaluated: 2023-12-23. Review status: criteria provided, single submitter. Criteria: ACMG Guidelines, 2015. Collection method: clinical testing. Allele origin: germline.

NM_000091.5(COL4A3):c.2954G>A (p.Gly985Glu)

Genes: MFF-DT (MFF divergent transcript; minus strand), COL4A3 (collagen type IV alpha 3 chain; plus strand). Cytogenetic location: 2q36.3.
Variant type: single nucleotide variant.
Coding change: c.2954G>A on transcript NM_000091.5 (MANE Select); coding-DNA position 2954, G replaced by A.
Protein change: p.Gly985Glu; replaces glycine 985 with glutamic acid.
Molecular consequence: missense variant.
Genome position (GRCh38, 1-based): chr2:227,289,222, G>A. VCF-style: chr2-227289222-G-A. GRCh37 (hg19) VCF-style: chr2-228153938-G-A.
Other names: short protein forms G985E.
Identifiers: ClinVar variation 3586071 (VCV003586071.2).